The following is an entry in ClinVar:

NM_001720.5(BMP8B):c.832G>A (p.Glu278Lys)

Gene: BMP8B (bone morphogenetic protein 8b; minus strand). Cytogenetic location: 1p34.2.
Variant type: single nucleotide variant.
Coding change: c.832G>A on transcript NM_001720.5 (MANE Select); coding-DNA position 832, G replaced by A.
Protein change: p.Glu278Lys; replaces glutamic acid 278 with lysine.
Molecular consequence: missense variant.
Genome position (GRCh38, 1-based): chr1:39,764,659, C>T on the plus strand (G>A on the coding strand, the complement: BMP8B is on the minus strand). VCF-style: chr1-39764659-C-T. GRCh37 (hg19) VCF-style: chr1-40230331-C-T.
Other names: short protein forms E278K.
Identifiers: ClinVar variation 3236642 (VCV003236642.1), dbSNP rs143286225, ClinGen allele CA787370.

ClinVar aggregate classification (germline): Uncertain significance (1 of 4 stars; one submission).

Allele frequency attached by ClinVar (database versions not stated): gnomAD exomes 0.00015; ESP Exome Variant Server 0.00108; gnomAD 0.00108; 1000 Genomes Project 30x 0.00187.
gnomAD v4.1: 395 of 1,613,388 alleles (0.024%); highest among the groups gnomAD compares: African/African-American, 0.38%; 2 homozygotes.

Submission:

Clinical Genomics Laboratory, Washington University in St. Louis
Classification: Uncertain significance. Last evaluated: 2024-03-06. Review status: criteria provided, single submitter. Criteria: ACMG Guidelines, 2015. Collection method: clinical testing. Allele origin: germline.
Comment: The BMP8B c.832G>A (p.Glu278Lys) variant, to our knowledge, has not been reported in the medical literature. The highest population minor allele frequency in the population database genome aggregation database (v.2.1.1) is 0.42% in the African population. Computational predictors suggest that the variant does not impact BMP8B function. Due to limited information, the clinical significance of this variant is uncertain.